The following is an entry in ClinVar:

ClinVar aggregate classification (germline): Conflicting classifications of pathogenicity. Review status: criteria provided, conflicting classifications (1 of 4 stars). 6 submissions from 6 submitters: Uncertain significance (3); Likely benign (2). 1 of the submissions does not count toward it. Last evaluated 2025-07-07.

Conditions:
Hereditary cancer-predisposing syndrome. Also called: Tumor predisposition; Neoplastic Syndromes, Hereditary; Hereditary Cancer Syndrome; Hereditary neoplastic syndrome. Identifiers: Orphanet 140162, MedGen C0027672, MeSH D009386, MONDO:0015356.
Hereditary breast ovarian cancer syndrome. Also called: Hereditary breast and ovarian cancer syndrome (HBOC); Hereditary breast and ovarian cancer syndrome; Hereditary breast and ovarian cancer; Hereditary breast and/or ovarian cancer syndrome; Breast and ovarian cancer; BRCA1- and BRCA2-Associated Hereditary Breast and Ovarian Cancer. Identifiers: Orphanet 145, MedGen C0677776, MeSH D061325, MONDO:0003582. Disease mechanism: loss of function.
Breast-ovarian cancer, familial, susceptibility to, 1 (BROVCA1). Also called: OVARIAN CANCER, SUSCEPTIBILITY TO; BRCA1 Hereditary Breast and Ovarian Cancer. Identifiers: Orphanet 145, MedGen C2676676, MONDO:0011450, OMIM 604370. Disease mechanism: loss of function.

Allele frequency attached by ClinVar (database versions not stated): TOPMed below 0.00001; gnomAD 0.00001.
gnomAD v4.1: 2 of 1,613,972 alleles (0.00012%); highest among the groups gnomAD compares: Non-Finnish European, 0.000085%; no homozygotes.

Submissions (6):

Myriad Genetics, Inc.
Classification: Likely benign for Breast-ovarian cancer, familial, susceptibility to, 1. Last evaluated: 2025-07-07. Review status: criteria provided, single submitter. Criteria: Myriad Autosomal Dominant, Autosomal Recessive and X-Linked Classification Criteria (2023). Collection method: clinical testing. Allele origin: unknown.
Comment: This variant is considered likely benign. This variant is strongly associated with less severe personal and family histories of cancer, typical for individuals without pathogenic variants in this gene [PMID: 25085752].

Ambry Genetics
Classification: Uncertain significance for Hereditary cancer-predisposing syndrome. Last evaluated: 2024-02-24. Review status: criteria provided, single submitter. Criteria: Ambry Variant Classification Scheme 2023. Collection method: clinical testing. Allele origin: germline.
Comment: The p.G928S variant (also known as c.2782G>A), located in coding exon 9 of the BRCA1 gene, results from a G to A substitution at nucleotide position 2782. The glycine at codon 928 is replaced by serine, an amino acid with similar properties. This amino acid position is not well conserved in available vertebrate species. In addition, this alteration is predicted to be tolerated by in silico analysis. Since supporting evidence is limited at this time, the clinical significance of this alteration remains unclear.

University of Washington Department of Laboratory Medicine, University of Washington
Classification: Likely benign for Hereditary cancer-predisposing syndrome. Last evaluated: 2023-03-23. Review status: criteria provided, single submitter. Criteria: Dines et al. (Genet Med. 2020). Collection method: curation. Allele origin: germline.
Comment: Missense variant in a coldspot region where missense variants are very unlikely to be pathogenic (PMID:31911673).

BRCA1 coldspot (exon 11 using historical exon numbering). Reclassification based on statistical prior probability

Labcorp Genetics (formerly Invitae), Labcorp
Classification: Uncertain significance for Hereditary breast ovarian cancer syndrome. Last evaluated: 2023-03-08. Review status: criteria provided, single submitter. Criteria: Invitae Variant Classification Sherloc (09022015). Collection method: clinical testing. Allele origin: germline.
Comment: This sequence change replaces glycine, which is neutral and non-polar, with serine, which is neutral and polar, at codon 928 of the BRCA1 protein (p.Gly928Ser). In summary, the available evidence is currently insufficient to determine the role of this variant in disease. Therefore, it has been classified as a Variant of Uncertain Significance. Advanced modeling of protein sequence and biophysical properties (such as structural, functional, and spatial information, amino acid conservation, physicochemical variation, residue mobility, and thermodynamic stability) performed at Invitae indicates that this missense variant is not expected to disrupt BRCA1 protein function. ClinVar contains an entry for this variant (Variation ID: 54679). This missense change has been observed in individual(s) with clinical features of BRCA1-related conditions (PMID: 10923033). This variant is not present in population databases (gnomAD no frequency).

Color Diagnostics, LLC DBA Color Health
Classification: Uncertain significance for Hereditary cancer-predisposing syndrome. Last evaluated: 2020-12-01. Review status: criteria provided, single submitter. Criteria: ACMG Guidelines, 2015. Collection method: clinical testing. Allele origin: germline.
Comment: This missense variant replaces glycine with serine at codon 928 of the BRCA1 protein. Computational prediction suggests that this variant may not impact protein structure and function (internally defined REVEL score threshold <= 0.5, PMID: 27666373). To our knowledge, functional studies have not been reported for this variant. This variant has not been reported in individuals affected with hereditary cancer in the literature. This variant has not been identified in the general population by the Genome Aggregation Database (gnomAD). The available evidence is insufficient to determine the role of this variant in disease conclusively. Therefore, this variant is classified as a Variant of Uncertain Significance.

Breast Cancer Information Core (BIC) (BRCA1)
Classification: Uncertain significance for Breast-ovarian cancer, familial 1. Last evaluated: 1999-04-05. Review status: no assertion criteria provided. Collection method: clinical testing. Allele origin: germline. Affected: yes. Observed: 1 variant allele. Not counted in ClinVar's aggregate classification.

Literature cited by the submitters: PubMed 25085752 (cited by Myriad Genetics, Inc.); PubMed 10923033 (cited by Labcorp Genetics (formerly Invitae), Labcorp).

NM_007294.4(BRCA1):c.2782G>A (p.Gly928Ser)

Gene: BRCA1 (BRCA1 DNA repair associated; minus strand). Cytogenetic location: 17q21.31.
Variant type: single nucleotide variant.
Coding change: c.2782G>A on transcript NM_007294.4 (MANE Select); coding-DNA position 2782, G replaced by A.
Protein change: p.Gly928Ser; replaces glycine 928 with serine.
Molecular consequence: missense variant. On other transcripts: intron variant (137).
Genome position (GRCh38, 1-based): chr17:43,092,749, C>T on the plus strand (G>A on the coding strand, the complement: BRCA1 is on the minus strand). VCF-style: chr17-43092749-C-T. GRCh37 (hg19) VCF-style: chr17-41244766-C-T.
Other names: c.2782G>A, p.Gly928Ser (NM_001407594.1, NM_001407596.1, NM_001407597.1 and 30 more transcripts); c.2779G>A, p.Gly927Ser (NM_001407610.1, NM_001407611.1, NM_001407612.1 and 22 more transcripts); c.2773G>A, p.Gly925Ser (NM_001407646.1, NM_001407647.1); c.2659G>A, p.Gly887Ser (NM_001407648.1, NM_001407664.1, NM_001407665.1 and 19 more transcripts); c.2656G>A, p.Gly886Ser (NM_001407649.1, NM_001407670.1, NM_001407671.1 and 11 more transcripts); c.2704G>A, p.Gly902Ser (NM_001407653.1, NM_001407654.1, NM_001407655.1 and 4 more transcripts); c.2701G>A, p.Gly901Ser (NM_001407659.1, NM_001407660.1, NM_001407661.1 and 1 more transcripts); c.2641G>A, p.Gly881Ser (NM_001407692.1, NM_001407694.1, NM_001407695.1 and 29 more transcripts); and 41 more; short protein forms G928S, G881S, G632S, G760S, G858S, G861S, G901S, G927S.
Identifiers: ClinVar variation 54679 (VCV000054679.21), dbSNP rs80356995, ClinGen allele CA001829.